The following is an entry in ClinVar:

NM_014795.4(ZEB2):c.314C>T (p.Ala105Val)

Gene: ZEB2 (zinc finger E-box binding homeobox 2; minus strand). Cytogenetic location: 2q22.3.
Variant type: single nucleotide variant.
Coding change: c.314C>T on transcript NM_014795.4 (MANE Select); coding-DNA position 314, C replaced by T.
Protein change: p.Ala105Val; replaces alanine 105 with valine.
Molecular consequence: missense variant.
Genome position (GRCh38, 1-based): chr2:144,429,786, G>A on the plus strand (C>T on the coding strand, the complement: ZEB2 is on the minus strand). VCF-style: chr2-144429786-G-A. GRCh37 (hg19) VCF-style: chr2-145187353-G-A.
Other names: p.A105V:GCC>GTC; c.314C>T, p.Ala105Val (NM_001171653.2); short protein forms A105V.
Identifiers: ClinVar variation 181750 (VCV000181750.11), dbSNP rs730881207, ClinGen allele CA297627.

ClinVar aggregate classification (germline): Conflicting classifications of pathogenicity. Review status: criteria provided, conflicting classifications (1 of 4 stars). 3 submissions from 3 submitters: Uncertain significance (2); Likely benign (1). Last evaluated 2024-06-07.

Conditions:
Mowat-Wilson syndrome (MOWS). Also called: Classic Mowat-Wilson Syndrome. Identifiers: Orphanet 2152, MedGen C1856113, MONDO:0009341, OMIM 235730.

gnomAD v4.1: 4 of 1,613,726 alleles (0.00025%); highest among the groups gnomAD compares: Non-Finnish European, 0.00034%; no homozygotes.

Submissions (3):

Labcorp Genetics (formerly Invitae), Labcorp
Classification: Uncertain significance for Mowat-Wilson syndrome. Last evaluated: 2024-06-07. Review status: criteria provided, single submitter. Criteria: Invitae Variant Classification Sherloc (09022015). Collection method: clinical testing. Allele origin: germline.
Comment: This sequence change replaces alanine, which is neutral and non-polar, with valine, which is neutral and non-polar, at codon 105 of the ZEB2 protein (p.Ala105Val). This variant is not present in population databases (gnomAD no frequency). This variant has not been reported in the literature in individuals affected with ZEB2-related conditions. ClinVar contains an entry for this variant (Variation ID: 181750). An algorithm developed to predict the effect of missense changes on protein structure and function (PolyPhen-2) suggests that this variant is likely to be disruptive. In summary, the available evidence is currently insufficient to determine the role of this variant in disease. Therefore, it has been classified as a Variant of Uncertain Significance.

Genome-Nilou Lab
Classification: Uncertain significance for Mowat-Wilson syndrome. Last evaluated: 2021-11-07. Review status: criteria provided, single submitter. Criteria: ACMG Guidelines, 2015. Collection method: clinical testing. Allele origin: germline. Affected: no.

GeneDx
Classification: Likely benign. Last evaluated: 2016-07-11. Review status: criteria provided, single submitter. Criteria: GeneDx Variant Classification (06012015). Collection method: clinical testing. Allele origin: germline. Affected: yes.
Comment: This variant is considered likely benign or benign based on one or more of the following criteria: it is a conservative change, it occurs at a poorly conserved position in the protein, it is predicted to be benign by multiple in silico algorithms, and/or has population frequency not consistent with disease.